The following is an entry in ClinVar:

ClinVar aggregate classification (germline): Conflicting classifications of pathogenicity. Review status: criteria provided, conflicting classifications (1 of 4 stars). 2 submissions from 2 submitters: Uncertain significance (1); Likely benign (1). Last evaluated 2024-08-17.

Submissions (2):

Labcorp Genetics (formerly Invitae), Labcorp
Classification: Likely benign. Last evaluated: 2024-08-17. Review status: criteria provided, single submitter. Criteria: Invitae Variant Classification Sherloc (09022015). Collection method: clinical testing. Allele origin: germline.

GeneDx
Classification: Uncertain significance. Last evaluated: 2023-07-20. Review status: criteria provided, single submitter. Criteria: GeneDx Variant Classification Process June 2021. Collection method: clinical testing. Allele origin: germline. Affected: yes.
Comment: In silico analysis supports a deleterious effect on protein structure/function; In-frame deletion of 21 amino acids in a repetitive region with no known function; Has not been previously published as pathogenic or benign to our knowledge

NM_006766.5(KAT6A):c.4953_5015del (p.Pro1655_Pro1675del)

Gene: KAT6A (lysine acetyltransferase 6A; minus strand). Cytogenetic location: 8p11.21.
Variant type: Deletion.
Coding change: c.4953_5015del on transcript NM_006766.5 (MANE Select); coding-DNA positions 4953 to 5015, 63 bases deleted.
Protein change: p.Pro1655_Pro1675del.
Molecular consequence: inframe deletion.
Genome position (GRCh38, 1-based): chr8:41,933,205-41,933,267, 63 bases deleted. GRCh37 (hg19): chr8:41,790,728-41,790,790.
Other names: c.4953_5015del (NM_006766.3).
Identifiers: ClinVar variation 1934155 (VCV001934155.6), dbSNP rs2486752965, ClinGen allele CA581928330.